The following is an entry in ClinVar:

NM_000642.3(AGL):c.4165_4166del (p.Ala1388_Pro1389insTer)

Gene: AGL (amylo-alpha-1,6-glucosidase and 4-alpha-glucanotransferase; plus strand). Cytogenetic location: 1p21.2.
Variant type: Deletion.
Coding change: c.4165_4166del on transcript NM_000642.3 (MANE Select); coding-DNA positions 4165 to 4166, 2 bases deleted (CC; older notation c.4165_4166delCC).
Protein change: p.Ala1388_Pro1389insTer.
Molecular consequence: nonsense. On other transcripts: frameshift variant (10).
Genome position (GRCh38, 1-based): chr1:99,915,392-99,915,393, CC deleted; deleting any 2 consecutive bases within chr1:99,915,390-99,915,393 gives the same sequence; the c. name uses the placement nearest the transcript's 3' end. VCF-style (leftmost placement, unchanged base first): chr1-99915389-GCC-G. GRCh37 (hg19) VCF-style: chr1-100380945-GCC-G.
Other names: c.4165_4166delCC, p.Pro1389Terfs (NM_000028.3, NM_000643.3, NM_000644.3 and 1 more transcripts); c.4117_4118delCC, p.Pro1373Terfs (NM_000646.3); c.4144_4145delCC, p.Pro1382Terfs (NM_001425326.1); c.3964_3965delCC, p.Pro1322Terfs (NM_001425327.1); c.3961_3962delCC, p.Pro1321Terfs (NM_001425328.1); c.3826_3827delCC, p.Pro1276Terfs (NM_001425329.1); c.3787_3788delCC, p.Pro1263Terfs (NM_001425332.1).
Identifiers: ClinVar variation 558324 (VCV000558324.13), dbSNP rs1293077915, ClinGen allele CA658821098.

ClinVar aggregate classification (germline): Pathogenic/Likely pathogenic. Review status: criteria provided, multiple submitters, no conflicts (2 of 4 stars). 3 submissions from 3 submitters: Pathogenic (1); Likely pathogenic (1). 1 of the submissions does not count toward it. Last evaluated 2023-09-27.

Conditions:
Glycogen storage disease type III (GSD3). Also called: FORBES DISEASE; Cori disease. Identifiers: Orphanet 366, MedGen C0017922, MONDO:0009291, OMIM 232400.

Submissions (3):

Labcorp Genetics (formerly Invitae), Labcorp
Classification: Pathogenic for Glycogen storage disease type III. Last evaluated: 2023-09-27. Review status: criteria provided, single submitter. Criteria: Invitae Variant Classification Sherloc (09022015). Collection method: clinical testing. Allele origin: germline.
Comment: This sequence change creates a premature translational stop signal (p.Pro1389*) in the AGL gene. It is expected to result in an absent or disrupted protein product. Loss-of-function variants in AGL are known to be pathogenic (PMID: 19299494). This variant is not present in population databases (gnomAD no frequency). This premature translational stop signal has been observed in individual(s) with glycogen storage disease type III (PMID: 26984562). ClinVar contains an entry for this variant (Variation ID: 558324). For these reasons, this variant has been classified as Pathogenic.

Genome-Nilou Lab
Classification: Likely pathogenic for Glycogen storage disease type III. Last evaluated: 2021-07-15. Review status: criteria provided, single submitter. Criteria: ACMG Guidelines, 2015. Collection method: clinical testing. Allele origin: germline. Affected: no.

Counsyl
Classification: Likely pathogenic for Glycogen storage disease type III. Last evaluated: 2018-05-14. Review status: no assertion criteria provided. Collection method: clinical testing. Allele origin: unknown. Not counted in ClinVar's aggregate classification.

Literature cited by the submitters: PubMed 19299494 (cited by Labcorp Genetics (formerly Invitae), Labcorp); PubMed 26984562 (cited by Labcorp Genetics (formerly Invitae), Labcorp and Counsyl).